The following is an entry in ClinVar:

ClinVar aggregate classification (germline): Uncertain significance. Review status: criteria provided, multiple submitters, no conflicts (2 of 4 stars). 3 submissions from 3 submitters: Uncertain significance (3). Last evaluated 2025-07-31.

Conditions:
Inborn genetic diseases. Identifiers: MedGen C0950123, MeSH D030342.

Allele frequency attached by ClinVar (database versions not stated): gnomAD exomes 0.00001; TOPMed 0.00001; ExAC 0.00002; ESP Exome Variant Server 0.00008.

Submissions (3):

Ambry Genetics
Classification: Uncertain significance for Inborn genetic diseases. Last evaluated: 2025-07-31. Review status: criteria provided, single submitter. Criteria: Ambry Variant Classification Scheme 2023. Collection method: clinical testing. Allele origin: germline.

Labcorp Genetics (formerly Invitae), Labcorp
Classification: Uncertain significance. Last evaluated: 2022-08-13. Review status: criteria provided, single submitter. Criteria: Invitae Variant Classification Sherloc (09022015). Collection method: clinical testing. Allele origin: germline.
Comment: This sequence change replaces lysine, which is basic and polar, with asparagine, which is neutral and polar, at codon 389 of the KCNV2 protein (p.Lys389Asn). The frequency data for this variant in the population databases is considered unreliable, as metrics indicate poor data quality at this position in the gnomAD database. This variant has not been reported in the literature in individuals affected with KCNV2-related conditions. ClinVar contains an entry for this variant (Variation ID: 1018588). Advanced modeling of protein sequence and biophysical properties (such as structural, functional, and spatial information, amino acid conservation, physicochemical variation, residue mobility, and thermodynamic stability) performed at Invitae indicates that this missense variant is expected to disrupt KCNV2 protein function. In summary, the available evidence is currently insufficient to determine the role of this variant in disease. Therefore, it has been classified as a Variant of Uncertain Significance.

Blueprint Genetics
Classification: Uncertain significance. Last evaluated: 2019-04-15. Review status: criteria provided, single submitter. Criteria: ACMG Guidelines, 2015. Collection method: clinical testing. Allele origin: germline.

NM_133497.4(KCNV2):c.1167G>C (p.Lys389Asn)

Gene: KCNV2 (potassium voltage-gated channel modifier subfamily V member 2; plus strand). Cytogenetic location: 9p24.2.
Variant type: single nucleotide variant.
Coding change: c.1167G>C on transcript NM_133497.4 (MANE Select); coding-DNA position 1167, G replaced by C.
Protein change: p.Lys389Asn; replaces lysine 389 with asparagine.
Molecular consequence: missense variant.
Genome position (GRCh38, 1-based): chr9:2,718,906, G>C. VCF-style: chr9-2718906-G-C. GRCh37 (hg19) VCF-style: chr9-2718906-G-C.
Other names: c.1167G>C (NM_133497.3); short protein forms K389N.
Identifiers: ClinVar variation 1018588 (VCV001018588.9), dbSNP rs376016220, ClinGen allele CA4965801.